The following is an entry in ClinVar:

ClinVar aggregate classification (germline): Conflicting classifications of pathogenicity. Review status: criteria provided, conflicting classifications (1 of 4 stars). 3 submissions from 3 submitters: Uncertain significance (1); Likely benign (1). 1 of the submissions does not count toward it. Last evaluated 2026-02-01.

Conditions:
AHCY-related disorder. Also called: AHCY-related condition.
Hypermethioninemia with deficiency of S-adenosylhomocysteine hydrolase. Identifiers: Orphanet 88618, MedGen C3151058, MONDO:0013404, OMIM 613752.

Allele frequency attached by ClinVar (database versions not stated): gnomAD exomes 0.00040 and 0.00093; ExAC 0.00072; 1000 Genomes Project 30x 0.00078; 1000 Genomes Project 0.00080; gnomAD 0.00139 and 0.00152; TOPMed 0.00156; ESP Exome Variant Server 0.00192.
gnomAD v4.1: 839 of 1,614,142 alleles (0.052%); highest among the groups gnomAD compares: African/African-American, 0.38%; 2 homozygotes.

Submissions (3):

Labcorp Genetics (formerly Invitae), Labcorp
Classification: Likely benign for Hypermethioninemia with deficiency of S-adenosylhomocysteine hydrolase. Last evaluated: 2026-02-01. Review status: criteria provided, single submitter. Criteria: Invitae Variant Classification Sherloc (09022015). Collection method: clinical testing. Allele origin: germline.

Illumina Laboratory Services, Illumina
Classification: Uncertain significance for Hypermethioninemia with deficiency of S-adenosylhomocysteine hydrolase. Last evaluated: 2018-01-12. Review status: criteria provided, single submitter. Criteria: ICSL Variant Classification Criteria 13 December 2019. Collection method: clinical testing. Allele origin: germline.

PreventionGenetics, part of Exact Sciences
Classification: Benign for AHCY-related condition. Last evaluated: 2019-07-24. Review status: no assertion criteria provided. Collection method: clinical testing. Allele origin: germline. Not counted in ClinVar's aggregate classification.
Comment: This variant is classified as benign based on ACMG/AMP sequence variant interpretation guidelines (Richards et al. 2015 PMID: 25741868, with internal and published modifications).

NM_000687.4(AHCY):c.853C>T (p.Arg285Trp)

Gene: AHCY (adenosylhomocysteinase; minus strand). Cytogenetic location: 20q11.22.
Variant type: single nucleotide variant.
Coding change: c.853C>T on transcript NM_000687.4 (MANE Select); coding-DNA position 853, C replaced by T.
Protein change: p.Arg285Trp; replaces arginine 285 with tryptophan.
Molecular consequence: missense variant.
Genome position (GRCh38, 1-based): chr20:34,290,552, G>A on the plus strand (C>T on the coding strand, the complement: AHCY is on the minus strand). VCF-style: chr20-34290552-G-A. GRCh37 (hg19) VCF-style: chr20-32878358-G-A.
Other names: c.769C>T, p.Arg257Trp (NM_001161766.2, NM_001322084.2, NM_001322085.2); c.859C>T, p.Arg287Trp (NM_001322086.2); c.853C>T, p.Arg285Trp (NM_001362750.2); short protein forms R257W, R287W, R285W.
Identifiers: ClinVar variation 715465 (VCV000715465.17), dbSNP rs116846245, ClinGen allele CA9820876.